The following is an entry in ClinVar:

ClinVar aggregate classification (germline): Uncertain significance (1 of 4 stars; one submission).

Conditions:
Hereditary cancer-predisposing syndrome. Also called: Neoplastic Syndromes, Hereditary; Hereditary Cancer Syndrome; Tumor predisposition; Hereditary neoplastic syndrome. Identifiers: Orphanet 140162, MedGen C0027672, MeSH D009386, MONDO:0015356.

Submission:

Ambry Genetics
Classification: Uncertain significance for Hereditary cancer-predisposing syndrome. Last evaluated: 2023-01-20. Review status: criteria provided, single submitter. Criteria: Ambry Variant Classification Scheme 2023. Collection method: clinical testing. Allele origin: germline.
Comment: The p.L148F variant (also known as c.444A>C), located in coding exon 2 of the MSH6 gene, results from an A to C substitution at nucleotide position 444. The leucine at codon 148 is replaced by phenylalanine, an amino acid with highly similar properties. This amino acid position is not well conserved in available vertebrate species. In addition, this alteration is predicted to be tolerated by in silico analysis. Since supporting evidence is limited at this time, the clinical significance of this alteration remains unclear.

NM_000179.3(MSH6):c.444A>C (p.Leu148Phe)

Gene: MSH6 (mutS homolog 6; plus strand). Cytogenetic location: 2p16.3.
Variant type: single nucleotide variant.
Coding change: c.444A>C on transcript NM_000179.3 (MANE Select); coding-DNA position 444, A replaced by C.
Protein change: p.Leu148Phe; replaces leucine 148 with phenylalanine.
Molecular consequence: missense variant. On other transcripts: 5 prime UTR variant (7), non-coding transcript variant (5), intron variant (6).
Genome position (GRCh38, 1-based): chr2:47,791,110, A>C. VCF-style: chr2-47791110-A-C. GRCh37 (hg19) VCF-style: chr2-48018249-A-C.
Other names: c.-293A>C (NM_001281493.2, NM_001406811.1, NM_001406823.1 and 1 more transcripts); c.-459A>C (NM_001281494.2); c.540A>C, p.Leu180Phe (NM_001406795.1, NM_001406802.1); c.444A>C, p.Leu148Phe (NM_001406796.1, NM_001406798.1, NM_001406800.1 and 6 more transcripts); c.147A>C, p.Leu49Phe (NM_001406797.1, NM_001406801.1, NM_001406805.1 and 10 more transcripts); c.366A>C, p.Leu122Phe (NM_001406804.1); c.-485A>C (NM_001406807.1); c.-551A>C (NM_001406814.1); and 5 more; short protein forms L122F, L49F, L148F, L180F, L92F.
Identifiers: ClinVar variation 2447291 (VCV002447291.2), dbSNP rs868629668, ClinGen allele CA346737185.
Genomic context (GRCh38, chr2:47,791,110, plus strand): 5'-TGTTCATGTACAGTTTTTTGATGACAGCCCAACAAGGGGCTGGGTTAGCAAAAGGCTTTT[A>C]AAGCCATATACAGGTAAGAGTCACTACTGCCATGTGTGTGTGTTTGTGTGTGTGTGTGTG-3'
Protein context (NP_000170.1, residues 138-158): PTRGWVSKRL[Leu148Phe]KPYTGSKSKE